The following is an entry in ClinVar:

NM_001267550.2(TTN):c.79609G>C (p.Val26537Leu)

Genes: TTN (titin; minus strand), TTN-AS1 (TTN antisense RNA 1; plus strand). Cytogenetic location: 2q31.2.
Variant type: single nucleotide variant.
Coding change: c.79609G>C on transcript NM_001267550.2 (MANE Select); coding-DNA position 79609, G replaced by C.
Protein change: p.Val26537Leu; replaces valine 26537 with leucine.
Molecular consequence: missense variant.
Genome position (GRCh38, 1-based): chr2:178,566,523, C>G on the plus strand (G>C on the coding strand, the complement: TTN is on the minus strand). VCF-style: chr2-178566523-C-G. GRCh37 (hg19) VCF-style: chr2-179431250-C-G.
Other names: c.74686G>C, p.Val24896Leu (NM_001256850.1); c.52414G>C, p.Val17472Leu (NM_003319.4); c.71905G>C, p.Val23969Leu (NM_133378.4); c.52789G>C, p.Val17597Leu (NM_133432.3); c.52990G>C, p.Val17664Leu (NM_133437.4); short protein forms V23969L, V17597L, V17664L, V24896L, V26537L, V17472L.
Identifiers: ClinVar variation 1746302 (VCV001746302.2), dbSNP rs1019110358, ClinGen allele CA60989927.
Genomic context (GRCh38, chr2:178,566,523, plus strand): 5'-GGTGTTCAGTGAGTTTTGAAATTTCAAATCGAGTGACTCTCAGGCCAGTCTGTGGAGTAA[C>G]TATTTGCCATTCTTCTTCATCTGCTTTACAGATTTCTACTACATATCCCAAGATCTCACT-3'
Protein context (NP_001254479.2, residues 26527-26547): CKADEEEWQI[Val26537Leu]TPQTGLRVTR

ClinVar aggregate classification (germline): Uncertain significance (1 of 4 stars; one submission).

Conditions:
Cardiovascular phenotype. Identifiers: MedGen CN230736.

Allele frequency attached by ClinVar (database versions not stated): gnomAD exomes 0.00002.
gnomAD v4.1: 33 of 1,613,442 alleles (0.002%); highest among the groups gnomAD compares: Non-Finnish European, 0.0027%; no homozygotes.

Submission:

Ambry Genetics
Classification: Uncertain significance for Cardiovascular phenotype. Last evaluated: 2020-07-06. Review status: criteria provided, single submitter. Criteria: Ambry Variant Classification Scheme 2023. Collection method: clinical testing. Allele origin: germline.
Comment: The p.V17472L variant (also known as c.52414G>C), located in coding exon 153 of the TTN gene, results from a G to C substitution at nucleotide position 52414. The valine at codon 17472 is replaced by leucine, an amino acid with highly similar properties. This amino acid position is not well conserved in available vertebrate species. In addition, this alteration is predicted to be tolerated by in silico analysis. Since supporting evidence is limited at this time, the clinical significance of this alteration remains unclear.